The following is an entry in ClinVar:

NM_030957.4(ADAMTS10):c.3116A>C (p.His1039Pro)

Gene: ADAMTS10 (ADAM metallopeptidase with thrombospondin type 1 motif 10; minus strand). Cytogenetic location: 19p13.2.
Variant type: single nucleotide variant.
Coding change: c.3116A>C on transcript NM_030957.4 (MANE Select); coding-DNA position 3116, A replaced by C.
Protein change: p.His1039Pro; replaces histidine 1039 with proline.
Molecular consequence: missense variant.
Genome position (GRCh38, 1-based): chr19:8,584,981, T>G on the plus strand (A>C on the coding strand, the complement: ADAMTS10 is on the minus strand). VCF-style: chr19-8584981-T-G. GRCh37 (hg19) VCF-style: chr19-8649865-T-G.
Other names: c.1577A>C, p.His526Pro (NM_001282352.2); short protein forms H1039P, H526P.
Identifiers: ClinVar variation 1904335 (VCV001904335.4), dbSNP rs566999321, ClinGen allele CA304997184.

ClinVar aggregate classification (germline): Uncertain significance. Review status: criteria provided, multiple submitters, no conflicts (2 of 4 stars). 2 submissions from 2 submitters: Uncertain significance (2). Last evaluated 2025-09-04.

Allele frequency attached by ClinVar (database versions not stated): TOPMed 0.00002; gnomAD 0.00005; 1000 Genomes Project 30x 0.00047; 1000 Genomes Project 0.00060.
gnomAD v4.1: 32 of 1,545,212 alleles (0.0021%); highest among the groups gnomAD compares: East Asian, 0.076%; no homozygotes.

Submissions (2):

Labcorp Genetics (formerly Invitae), Labcorp
Classification: Uncertain significance. Last evaluated: 2025-09-04. Review status: criteria provided, single submitter. Criteria: Invitae Variant Classification Sherloc (09022015). Collection method: clinical testing. Allele origin: germline.
Comment: This sequence change replaces histidine, which is basic and polar, with proline, which is neutral and non-polar, at codon 1039 of the ADAMTS10 protein (p.His1039Pro). This variant is present in population databases (rs566999321, gnomAD 0.01%). This variant has not been reported in the literature in individuals affected with ADAMTS10-related conditions. ClinVar contains an entry for this variant (Variation ID: 1904335). An algorithm developed to predict the effect of missense changes on protein structure and function (PolyPhen-2) suggests that this variant is likely to be tolerated. In summary, the available evidence is currently insufficient to determine the role of this variant in disease. Therefore, it has been classified as a Variant of Uncertain Significance.

Blueprint Genetics
Classification: Uncertain significance. Last evaluated: 2018-06-01. Review status: criteria provided, single submitter. Criteria: ACMG Guidelines, 2015. Collection method: clinical testing. Allele origin: germline.